The following is an entry in ClinVar:

ClinVar aggregate classification (germline): Uncertain significance (1 of 4 stars; one submission).

Submission:

GeneDx
Classification: Uncertain significance. Last evaluated: 2022-06-20. Review status: criteria provided, single submitter. Criteria: GeneDx Variant Classification Process June 2021. Collection method: clinical testing. Allele origin: germline. Affected: yes.
Comment: Not observed at significant frequency in large population cohorts (gnomAD); In silico analysis supports that this missense variant has a deleterious effect on protein structure/function; Has not been previously published as pathogenic or benign to our knowledge; Variants in candidate genes are classified as variants of uncertain significance in accordance with ACMG guidelines (Richards et al., 2015)

NM_144973.4(DENND5B):c.683A>G (p.Tyr228Cys)

Gene: DENND5B (DENN domain containing 5B; minus strand). Cytogenetic location: 12p11.21.
Variant type: single nucleotide variant.
Coding change: c.683A>G on transcript NM_144973.4 (MANE Select); coding-DNA position 683, A replaced by G.
Protein change: p.Tyr228Cys; replaces tyrosine 228 with cysteine.
Molecular consequence: missense variant. On other transcripts: intron variant (1).
Genome position (GRCh38, 1-based): chr12:31,479,810, T>C on the plus strand (A>G on the coding strand, the complement: DENND5B is on the minus strand). VCF-style: chr12-31479810-T-C. GRCh37 (hg19) VCF-style: chr12-31632744-T-C.
Other names: c.788A>G, p.Tyr263Cys (NM_001308339.2); c.749A>G, p.Tyr250Cys (NM_001366890.1, NM_001366893.1); c.683A>G, p.Tyr228Cys (NM_001366892.1); c.373+310A>G (NM_001366891.1); short protein forms Y228C, Y250C, Y263C.
Identifiers: ClinVar variation 3342545 (VCV003342545.1).